The following is an entry in ClinVar:

ClinVar aggregate classification (germline): Pathogenic (1 of 4 stars; one submission).

Submission:

Labcorp Genetics (formerly Invitae), Labcorp
Classification: Pathogenic. Last evaluated: 2020-08-07. Review status: criteria provided, single submitter. Criteria: Invitae Variant Classification Sherloc (09022015). Collection method: clinical testing. Allele origin: germline.
Comment: This sequence change affects a donor splice site in the last intron (intron 12) of the CLCN4 gene. While this is not anticipated to result in nonsense mediated decay, it likely alters RNA splicing and results in a disrupted protein product. For these reasons, this variant has been classified as Pathogenic. Nucleotide substitutions within the consensus splice site are a relatively common cause of aberrant splicing (PMID: 17576681, 9536098). Algorithms developed to predict the effect of sequence changes on RNA splicing suggest that this variant may disrupt the consensus splice site, but this prediction has not been confirmed by published transcriptional studies. This variant has been observed in individual(s) with clinical features of CLCN4-related conditions (Invitae). In at least one individual the variant was observed to be de novo. This variant is not present in population databases (ExAC no frequency).

Literature cited by the submitters: PubMed 17576681; PubMed 9536098.

NM_001830.4(CLCN4):c.2192+1G>T

Gene: CLCN4 (chloride voltage-gated channel 4; plus strand). Cytogenetic location: Xp22.2.
Variant type: single nucleotide variant.
Coding change: c.2192+1G>T on transcript NM_001830.4 (MANE Select); the canonical splice donor site of the intron after coding-DNA position 2192, G replaced by T.
Molecular consequence: splice donor variant.
Genome position (GRCh38, 1-based): chrX:10,220,878, G>T. VCF-style: chrX-10220878-G-T. GRCh37 (hg19) VCF-style: chrX-10188918-G-T.
Other names: c.1910+1G>T (NM_001256944.2).
Identifiers: ClinVar variation 1072902 (VCV001072902.9), dbSNP rs2147187749, ClinGen allele CA412045017.